The following is an entry in ClinVar:

ClinVar aggregate classification (germline): Uncertain significance (1 of 4 stars; one submission).

Conditions:
Cardiovascular phenotype. Identifiers: MedGen CN230736.

Submission:

Ambry Genetics
Classification: Uncertain significance for Cardiovascular phenotype. Last evaluated: 2025-08-31. Review status: criteria provided, single submitter. Criteria: Ambry Variant Classification Scheme 2023. Collection method: clinical testing. Allele origin: germline.
Comment: The p.M355I variant (also known as c.1065G>T), located in coding exon 9 of the TRPM4 gene, results from a G to T substitution at nucleotide position 1065. The methionine at codon 355 is replaced by isoleucine, an amino acid with highly similar properties. This amino acid position is conserved. In addition, this alteration is predicted to be tolerated by in silico analysis. Based on the available evidence, the clinical significance of this variant remains unclear.

NM_017636.4(TRPM4):c.1065G>T (p.Met355Ile)

Gene: TRPM4 (transient receptor potential cation channel subfamily M member 4; plus strand). Cytogenetic location: 19q13.33.
Variant type: single nucleotide variant.
Coding change: c.1065G>T on transcript NM_017636.4 (MANE Select); coding-DNA position 1065, G replaced by T.
Protein change: p.Met355Ile; replaces methionine 355 with isoleucine.
Molecular consequence: missense variant. On other transcripts: 5 prime UTR variant (1), intron variant (1).
Genome position (GRCh38, 1-based): chr19:49,172,023, G>T. VCF-style: chr19-49172023-G-T. GRCh37 (hg19) VCF-style: chr19-49675280-G-T.
Other names: c.1065G>T, p.Met355Ile (NM_001195227.2); c.720G>T, p.Met240Ile (NM_001321281.2); c.-489G>T (NM_001321282.2); c.543G>T, p.Met181Ile (NM_001321283.2); c.201+254G>T (NM_001321285.2); short protein forms M181I, M355I, M240I.
Identifiers: ClinVar variation 4191767 (VCV004191767.1).